The following is an entry in ClinVar:

NM_005101.4(ISG15):c.151G>T (p.Gly51Cys)

Gene: ISG15 (ISG15 ubiquitin like modifier; plus strand). Cytogenetic location: 1p36.33.
Variant type: single nucleotide variant.
Coding change: c.151G>T on transcript NM_005101.4 (MANE Select); coding-DNA position 151, G replaced by T.
Protein change: p.Gly51Cys; replaces glycine 51 with cysteine.
Molecular consequence: missense variant.
Genome position (GRCh38, 1-based): chr1:1,014,131, G>T. VCF-style: chr1-1014131-G-T. GRCh37 (hg19) VCF-style: chr1-949511-G-T.
Other names: p.Gly51Cys; c.151G>T (NM_005101.3); short protein forms G51C.
Identifiers: ClinVar variation 1644340 (VCV001644340.9), dbSNP rs139516378, ClinGen allele CA507635.

ClinVar aggregate classification (germline): Conflicting classifications of pathogenicity. Review status: criteria provided, conflicting classifications (1 of 4 stars). 2 submissions from 2 submitters: Uncertain significance (1); Likely benign (1). Last evaluated 2025-07-16.

Conditions:
Mendelian susceptibility to mycobacterial diseases due to complete ISG15 deficiency. Also called: Immunodeficiency 38; IMMUNODEFICIENCY 38, MYCOBACTERIOSIS, AUTOSOMAL RECESSIVE; ISG15 DEFICIENCY, AUTOSOMAL RECESSIVE; Immunodeficiency 38 with basal ganglia calcification. Identifiers: Orphanet 319563, MedGen C4015293, MONDO:0014502, OMIM 616126.

Allele frequency attached by ClinVar (database versions not stated): 1000 Genomes Project 30x 0.00078; 1000 Genomes Project 0.00100.

Submissions (2):

Labcorp Genetics (formerly Invitae), Labcorp
Classification: Likely benign for Mendelian susceptibility to mycobacterial diseases due to complete ISG15 deficiency. Last evaluated: 2025-07-16. Review status: criteria provided, single submitter. Criteria: Invitae Variant Classification Sherloc (09022015). Collection method: clinical testing. Allele origin: germline.

Mayo Clinic Laboratories, Mayo Clinic
Classification: Uncertain significance. Last evaluated: 2022-12-15. Review status: criteria provided, single submitter. Criteria: ACMG Guidelines, 2015. Collection method: clinical testing. Allele origin: germline. Observed: 1 variant allele.
Comment: BP1